The following is an entry in ClinVar:

NM_015425.6(POLR1A):c.1639A>G (p.Ile547Val)

Genes: POLR1A (RNA polymerase I subunit A; minus strand), LOC126806264 (MED14-independent group 3 enhancer GRCh37_chr2:86296595-86297794; plus strand). Cytogenetic location: 2p11.2.
Variant type: single nucleotide variant.
Coding change: c.1639A>G on transcript NM_015425.6 (MANE Select); coding-DNA position 1639, A replaced by G.
Protein change: p.Ile547Val; replaces isoleucine 547 with valine.
Molecular consequence: missense variant.
Genome position (GRCh38, 1-based): chr2:86,070,245, T>C on the plus strand (A>G on the coding strand, the complement: POLR1A is on the minus strand). VCF-style: chr2-86070245-T-C. GRCh37 (hg19) VCF-style: chr2-86297368-T-C.
Other names: c.1639A>G (NM_015425.3); short protein forms I547V.
Identifiers: ClinVar variation 1380663 (VCV001380663.7), dbSNP rs746583241, ClinGen allele CA1746262.

ClinVar aggregate classification (germline): Uncertain significance. Review status: criteria provided, multiple submitters, no conflicts (2 of 4 stars). 2 submissions from 2 submitters: Uncertain significance (2). Last evaluated 2022-05-13.

Conditions:
Inborn genetic diseases. Identifiers: MedGen C0950123, MeSH D030342.

Allele frequency attached by ClinVar (database versions not stated): gnomAD exomes below 0.00001 and 0.00002; ExAC 0.00001; TOPMed 0.00001; gnomAD 0.00002.
gnomAD v4.1: 33 of 1,612,634 alleles (0.002%); highest among the groups gnomAD compares: Non-Finnish European, 0.0026%; no homozygotes.

Submissions (2):

Ambry Genetics
Classification: Uncertain significance for Inborn genetic diseases. Last evaluated: 2022-05-13. Review status: criteria provided, single submitter. Criteria: Ambry Variant Classification Scheme 2023. Collection method: clinical testing. Allele origin: germline.

Labcorp Genetics (formerly Invitae), Labcorp
Classification: Uncertain significance. Last evaluated: 2021-12-03. Review status: criteria provided, single submitter. Criteria: Invitae Variant Classification Sherloc (09022015). Collection method: clinical testing. Allele origin: germline.
Comment: This variant is present in population databases (rs746583241, gnomAD 0.0009%). This sequence change replaces isoleucine, which is neutral and non-polar, with valine, which is neutral and non-polar, at codon 547 of the POLR1A protein (p.Ile547Val). This variant has not been reported in the literature in individuals affected with POLR1A-related conditions. Algorithms developed to predict the effect of missense changes on protein structure and function output the following: SIFT: "Not Available"; PolyPhen-2: "Benign"; Align-GVGD: "Not Available". The valine amino acid residue is found in multiple mammalian species, which suggests that this missense change does not adversely affect protein function. In summary, the available evidence is currently insufficient to determine the role of this variant in disease. Therefore, it has been classified as a Variant of Uncertain Significance.